The following is an entry in ClinVar:

NM_005529.7(HSPG2):c.4414G>A (p.Asp1472Asn)

Gene: HSPG2 (heparan sulfate proteoglycan 2; minus strand). Cytogenetic location: 1p36.12.
Variant type: single nucleotide variant.
Coding change: c.4414G>A on transcript NM_005529.7 (MANE Select); coding-DNA position 4414, G replaced by A.
Protein change: p.Asp1472Asn; replaces aspartic acid 1472 with asparagine.
Molecular consequence: missense variant.
Genome position (GRCh38, 1-based): chr1:21,865,055, C>T on the plus strand (G>A on the coding strand, the complement: HSPG2 is on the minus strand). VCF-style: chr1-21865055-C-T. GRCh37 (hg19) VCF-style: chr1-22191548-C-T.
Other names: c.4417G>A, p.Asp1473Asn (NM_001291860.2); short protein forms D1472N, D1473N.
Identifiers: ClinVar variation 3361302 (VCV003361302.1).

ClinVar aggregate classification (germline): Uncertain significance (1 of 4 stars; one submission).

gnomAD v4.1: 11 of 1,564,096 alleles (0.0007%); highest among the groups gnomAD compares: South Asian, 0.0012%; no homozygotes.

Submission:

GeneDx
Classification: Uncertain significance. Last evaluated: 2023-07-21. Review status: criteria provided, single submitter. Criteria: GeneDx Variant Classification Process June 2021. Collection method: clinical testing. Allele origin: germline. Affected: yes.
Comment: In silico analysis supports that this missense variant has a deleterious effect on protein structure/function; Has not been previously published as pathogenic or benign to our knowledge